The following is an entry in ClinVar:

ClinVar aggregate classification (germline): Uncertain significance (1 of 4 stars; one submission).

Conditions:
Fanconi anemia (FA). Also called: Fanconi's anemia. Identifiers: Orphanet 84, MedGen C0015625, MeSH D005199, MONDO:0019391.

Allele frequency attached by ClinVar (database versions not stated): gnomAD exomes below 0.00001 and 0.00001; ExAC 0.00002.
gnomAD v4.1: 2 of 1,607,070 alleles (0.00012%); highest among the groups gnomAD compares: East Asian, 0.0022%; no homozygotes.

Submission:

Labcorp Genetics (formerly Invitae), Labcorp
Classification: Uncertain significance for Fanconi anemia. Last evaluated: 2024-10-29. Review status: criteria provided, single submitter. Criteria: Invitae Variant Classification Sherloc (09022015). Collection method: clinical testing. Allele origin: germline.
Comment: This sequence change replaces serine, which is neutral and polar, with arginine, which is basic and polar, at codon 306 of the FANCI protein (p.Ser306Arg). This variant is present in population databases (rs745623288, gnomAD 0.02%). This variant has not been reported in the literature in individuals affected with FANCI-related conditions. ClinVar contains an entry for this variant (Variation ID: 1450743). Invitae Evidence Modeling of protein sequence and biophysical properties (such as structural, functional, and spatial information, amino acid conservation, physicochemical variation, residue mobility, and thermodynamic stability) indicates that this missense variant is not expected to disrupt FANCI protein function with a negative predictive value of 80%. In summary, the available evidence is currently insufficient to determine the role of this variant in disease. Therefore, it has been classified as a Variant of Uncertain Significance.

NM_001113378.2(FANCI):c.918T>G (p.Ser306Arg)

Gene: FANCI (FA complementation group I; plus strand). Cytogenetic location: 15q26.1.
Variant type: single nucleotide variant.
Coding change: c.918T>G on transcript NM_001113378.2 (MANE Select); coding-DNA position 918, T replaced by G.
Protein change: p.Ser306Arg; replaces serine 306 with arginine.
Molecular consequence: missense variant.
Genome position (GRCh38, 1-based): chr15:89,273,412, T>G. VCF-style: chr15-89273412-T-G. GRCh37 (hg19) VCF-style: chr15-89816643-T-G.
Other names: c.639T>G, p.Ser213Arg (NM_001376910.1); c.918T>G, p.Ser306Arg (NM_001376911.1, NM_018193.3); short protein forms S213R, S306R.
Identifiers: ClinVar variation 1450743 (VCV001450743.6), dbSNP rs745623288, ClinGen allele CA7722833.
Genomic context (GRCh38, chr15:89,273,412, plus strand): 5'-CTTCCTTTTGGTTGCTCTCTTCTAGGTAGGACAGCAAGGAGATTCCAATAATAACTTAAG[T>G]CCCTTCAGCATTGCTCTTCTTCTGTCTGTAACAAGAATACAAAGATTTCAGGACCAGGTA-3'
Protein context (NP_001106849.1, residues 296-316): GQQGDSNNNL[Ser306Arg]PFSIALLLSV